The following is an entry in ClinVar:

NM_005908.4(MANBA):c.1922G>A (p.Arg641His)

Gene: MANBA (mannosidase beta; minus strand). Cytogenetic location: 4q24.
Variant type: single nucleotide variant.
Coding change: c.1922G>A on transcript NM_005908.4 (MANE Select); coding-DNA position 1922, G replaced by A.
Protein change: p.Arg641His; replaces arginine 641 with histidine.
Molecular consequence: missense variant.
Genome position (GRCh38, 1-based): chr4:102,639,805, C>T on the plus strand (G>A on the coding strand, the complement: MANBA is on the minus strand). VCF-style: chr4-102639805-C-T. GRCh37 (hg19) VCF-style: chr4-103560962-C-T.
Other names: short protein forms R641H.
Identifiers: ClinVar variation 975740 (VCV000975740.17), dbSNP rs569997475, ClinGen allele CA3026755.

ClinVar aggregate classification (germline): Conflicting classifications of pathogenicity. Review status: criteria provided, conflicting classifications (1 of 4 stars). 9 submissions from 9 submitters: Likely pathogenic (4); Uncertain significance (2). 3 of the submissions do not count toward it. Last evaluated 2026-01-25.

Conditions:
Meniere disease. Also called: Ménière's disease. Identifiers: MedGen C0025281, MONDO:0007972, OMIM 156000.
Beta-D-mannosidosis (MANSB). Also called: LYSOSOMAL BETA-MANNOSIDASE DEFICIENCY; MANNOSIDOSIS, BETA A, LYSOSOMAL; BETA-MANNOSIDASE DEFICIENCY; Beta-Mannosidosis. Identifiers: Orphanet 118, MedGen C4048196, MONDO:0009562, OMIM 248510.
Intellectual disability. Also called: Intellectual functioning disability; Intellectual developmental disorder; intellectual disabilities. Identifiers: MedGen C3714756, MeSH D008607, MONDO:0001071, HP:0001249.

Allele frequency attached by ClinVar (database versions not stated): gnomAD 0.00006; TOPMed 0.00015.
gnomAD v4.1: 109 of 1,614,060 alleles (0.0068%); highest among the groups gnomAD compares: Admixed American, 0.033%; no homozygotes.

Submissions (9):

Labcorp Genetics (formerly Invitae), Labcorp
Classification: Likely pathogenic for Beta-D-mannosidosis. Last evaluated: 2026-01-25. Review status: criteria provided, single submitter. Criteria: Invitae Variant Classification Sherloc (09022015). Collection method: clinical testing. Allele origin: germline.
Comment: This sequence change replaces arginine, which is basic and polar, with histidine, which is basic and polar, at codon 641 of the MANBA protein (p.Arg641His). This variant is present in population databases (rs569997475, gnomAD 0.05%). This missense change has been observed in individual(s) with beta-mannosidosis (PMID: 18980795). ClinVar contains an entry for this variant (Variation ID: 975740). Invitae Evidence Modeling of protein sequence and biophysical properties (such as structural, functional, and spatial information, amino acid conservation, physicochemical variation, residue mobility, and thermodynamic stability) has been performed for this missense variant. However, the output from this modeling did not meet the statistical confidence thresholds required to predict the impact of this variant on MANBA protein function. Experimental studies have shown that this missense change affects MANBA function (PMID: 19728872, 30552791). In summary, the currently available evidence indicates that the variant is pathogenic, but additional data are needed to prove that conclusively. Therefore, this variant has been classified as Likely Pathogenic.

Dasa
Classification: Likely pathogenic. Last evaluated: 2026-01-12. Review status: criteria provided, single submitter. Criteria: DASA Assertion Criteria. Collection method: clinical testing. Allele origin: germline.
Comment: NM_005908.4(MANBA):c.1922G>A (p.Arg641His) is a missense variant that results in the substitution of arginine with histidine. Segregation data support an association with disease in the reported family/families (PMID: 18980795). This variant has been reported in individuals with MANBA-related disorders (PMID: 18980795). Functional evidence supports an impact on the gene or gene product. Also, this variant is rare in population databases. Based on the currently available evidence, this variant is classified as likely pathogenic.

Women's Health and Genetics/Laboratory Corporation of America, LabCorp
Classification: Likely pathogenic for Beta-D-mannosidosis. Last evaluated: 2024-08-20. Review status: criteria provided, single submitter. Criteria: LabCorp Variant Classification Summary - May 2015. Collection method: clinical testing. Allele origin: germline.
Comment: Variant summary: MANBA c.1922G>A (p.Arg641His) results in a non-conservative amino acid change in the encoded protein sequence. Three of four in-silico tools predict a damaging effect of the variant on protein function. The variant allele was found at a frequency of 0.00013 in 251248 control chromosomes. This frequency is not significantly higher than estimated for a pathogenic variant in MANBA causing Beta-Mannosidosis (0.00013 vs 0.0011), allowing no conclusion about variant significance. c.1922G>A has been reported in the literature in at-least one homozygous individual affected with Beta-Mannosidosis (example: Labauge_2009). These data indicate that the variant may be associated with disease. At least one publication reports experimental evidence evaluating an impact on protein function. The most pronounced variant effect results in <10% of normal activity in eukaryotic cells (Sabourdy_2009). The following publications have been ascertained in the context of this evaluation (PMID: 22369051, 18980795, 19728872). ClinVar contains an entry for this variant (Variation ID: 975740). Based on the evidence outlined above, the variant was classified as likely pathogenic.

GeneDx
Classification: Likely pathogenic. Last evaluated: 2024-08-18. Review status: criteria provided, single submitter. Criteria: GeneDx Variant Classification Process June 2021. Collection method: clinical testing. Allele origin: germline. Affected: yes.
Comment: Published functional studies demonstrate reduced secreted protein expression and significantly decreased enzyme activity compared to wild-type (PMID: 19728872, 30552791); In silico analysis supports that this missense variant has a deleterious effect on protein structure/function; This variant is associated with the following publications: (PMID: 22369051, 18980795, 30552791, 19728872, 30548430)

Blueprint Genetics
Classification: Uncertain significance. Last evaluated: 2024-07-10. Review status: criteria provided, single submitter. Criteria: ACMG Guidelines, 2015. Collection method: clinical testing. Allele origin: germline.

Fulgent Genetics
Classification: Uncertain significance for Beta-D-mannosidosis. Last evaluated: 2024-01-19. Review status: criteria provided, single submitter. Criteria: ACMG Guidelines, 2015. Collection method: clinical testing. Allele origin: germline.

Center for Computational Biology & Bioinformatics, University of California, San Diego
Classification: Uncertain significance for Meniere disease. Last evaluated: 2024-06-03. Review status: no assertion criteria provided. Collection method: research. Allele origin: germline. Affected: yes. Not counted in ClinVar's aggregate classification.

Department of Genetics, Rouen University Hospital, Normandy Center for Genomic and Personalized Medicine
Classification: Likely pathogenic for Beta-D-mannosidosis. Last evaluated: 2020-04-22. Review status: no assertion criteria provided. Collection method: clinical testing. Allele origin: inherited. Affected: yes. Not counted in ClinVar's aggregate classification.

Centre de Biologie Pathologie Génétique, Centre Hospitalier Universitaire de Lille
Classification: Likely benign for Intellectual disability. Last evaluated: 2019-01-01. Review status: no assertion criteria provided. Collection method: clinical testing. Allele origin: inherited. Affected: yes. Not counted in ClinVar's aggregate classification.

Literature cited by the submitters: PubMed 18980795 (cited by 3 submitters); PubMed 19728872 (cited by 3 submitters); PubMed 30552791 (cited by Labcorp Genetics (formerly Invitae), Labcorp and Dasa); PubMed 22369051 (cited by Women's Health and Genetics/Laboratory Corporation of America, LabCorp).